The following is an entry in ClinVar:

NM_032578.4(MYPN):c.1974-1G>A

Gene: MYPN (myopalladin; plus strand). Cytogenetic location: 10q21.3.
Variant type: single nucleotide variant.
Coding change: c.1974-1G>A on transcript NM_032578.4 (MANE Select); the canonical splice acceptor site of the intron before coding-DNA position 1974, G replaced by A.
Molecular consequence: splice acceptor variant.
Genome position (GRCh38, 1-based): chr10:68,174,065, G>A. VCF-style: chr10-68174065-G-A. GRCh37 (hg19) VCF-style: chr10-69933822-G-A.
Other names: c.1974-1G>A (NM_001256267.2); c.1092-1G>A (NM_001256268.2).
Identifiers: ClinVar variation 2028672 (VCV002028672.4), dbSNP rs113820929, ClinGen allele CA376843006.

ClinVar aggregate classification (germline): Likely pathogenic (1 of 4 stars; one submission).

Conditions:
Dilated cardiomyopathy 1KK (CMD1KK). Identifiers: Orphanet 154, Orphanet 75249, MedGen C3714995, MONDO:0014100, OMIM 615248.

Submission:

Labcorp Genetics (formerly Invitae), Labcorp
Classification: Likely pathogenic for Dilated cardiomyopathy 1KK. Last evaluated: 2022-11-08. Review status: criteria provided, single submitter. Criteria: Invitae Variant Classification Sherloc (09022015). Collection method: clinical testing. Allele origin: germline.
Comment: In summary, the currently available evidence indicates that the variant is pathogenic, but additional data are needed to prove that conclusively. Therefore, this variant has been classified as Likely Pathogenic. Algorithms developed to predict the effect of sequence changes on RNA splicing suggest that this variant may disrupt the consensus splice site. Disruption of this splice site has been observed in individual(s) with congenital myopathy (PMID: 34184449). This variant is not present in population databases (gnomAD no frequency). This sequence change affects an acceptor splice site in intron 10 of the MYPN gene. It is expected to disrupt RNA splicing. Variants that disrupt the donor or acceptor splice site typically lead to a loss of protein function (PMID: 16199547), and loss-of-function variants in MYPN are known to be pathogenic (PMID: 28017374).

Literature cited by the submitters: PubMed 34184449; PubMed 16199547; PubMed 28017374.